The following is an entry in ClinVar:

ClinVar aggregate classification (germline): Likely benign. Review status: criteria provided, single submitter (1 of 4 stars). 2 submissions from 2 submitters: Likely benign (1). 1 of the submissions does not count toward it. Last evaluated 2025-03-17.

Conditions:
LOXHD1-related disorder. Also called: LOXHD1-related condition.

Allele frequency attached by ClinVar (database versions not stated): gnomAD exomes 0.00006; ExAC 0.00009; ESP Exome Variant Server 0.00022; gnomAD 0.00028; TOPMed 0.00028; 1000 Genomes Project 0.00060; 1000 Genomes Project 30x 0.00062.
gnomAD v4.1: 71 of 1,551,772 alleles (0.0046%); highest among the groups gnomAD compares: African/African-American, 0.086%; no homozygotes.

Submissions (2):

Labcorp Genetics (formerly Invitae), Labcorp
Classification: Likely benign. Last evaluated: 2025-03-17. Review status: criteria provided, single submitter. Criteria: Invitae Variant Classification Sherloc (09022015). Collection method: clinical testing. Allele origin: germline.

PreventionGenetics, part of Exact Sciences
Classification: Likely benign for LOXHD1-related condition. Last evaluated: 2019-09-25. Review status: no assertion criteria provided. Collection method: clinical testing. Allele origin: germline. Not counted in ClinVar's aggregate classification.
Comment: This variant is classified as likely benign based on ACMG/AMP sequence variant interpretation guidelines (Richards et al. 2015 PMID: 25741868, with internal and published modifications).

NM_001384474.1(LOXHD1):c.1746G>A (p.Gly582=)

Gene: LOXHD1 (lipoxygenase homology PLAT domains 1; minus strand). Cytogenetic location: 18q21.1.
Variant type: single nucleotide variant.
Coding change: c.1746G>A on transcript NM_001384474.1 (MANE Select); coding-DNA position 1746, G replaced by A.
Protein change: p.Gly582=; no amino-acid change (glycine 582 retained).
Molecular consequence: synonymous variant.
Genome position (GRCh38, 1-based): chr18:46,579,693, C>T on the plus strand (G>A on the coding strand, the complement: LOXHD1 is on the minus strand). VCF-style: chr18-46579693-C-T. GRCh37 (hg19) VCF-style: chr18-44159656-C-T.
Other names: c.1746G>A, p.Gly582= (NM_144612.7); c.1746G>A (NM_144612.6).
Identifiers: ClinVar variation 1087103 (VCV001087103.11), dbSNP rs370933210, ClinGen allele CA8952764.